The following is an entry in ClinVar:

NM_138711.6(PPARG):c.-8-28078C>A

Gene: PPARG (peroxisome proliferator activated receptor gamma; plus strand). Cytogenetic location: 3p25.2.
Variant type: single nucleotide variant.
Coding change: c.-8-28078C>A on transcript NM_138711.6 (MANE Select); 28078 bases into the intron before 8 bases upstream of the start codon, C replaced by A.
Molecular consequence: intron variant. On other transcripts: missense variant (3).
Genome position (GRCh38, 1-based): chr3:12,351,626, C>A. VCF-style: chr3-12351626-C-A. GRCh37 (hg19) VCF-style: chr3-12393125-C-A.
Other names: c.34C>A, p.Pro12Thr (NM_001354668.2, NM_001374265.1, NM_015869.5); c.-8-28078C>A (NM_001354666.3, NM_138712.5, NM_005037.7 and 5 more transcripts); c.-435-28078C>A (NM_001354669.2); c.-9+6732C>A (NM_001374262.3); c.-2-28078C>A (NM_001374266.1, NM_001354670.2); short protein forms P12T.
Identifiers: ClinVar variation 3344424 (VCV003344424.1).

ClinVar aggregate classification (germline): Uncertain significance (0 of 4 stars; one submission).

Conditions:
PPARG-related disorder. Also called: PPARG-related condition; PPARG-related disorders.

gnomAD v4.1: 9 of 1,610,716 alleles (0.00056%); highest among the groups gnomAD compares: South Asian, 0.0088%; no homozygotes.

Submission:

PreventionGenetics, part of Exact Sciences
Classification: Uncertain significance for PPARG-related condition. Last evaluated: 2024-08-31. Review status: no assertion criteria provided. Collection method: clinical testing. Allele origin: germline.
Comment: The PPARG c.34C>A variant is predicted to result in the amino acid substitution p.Pro12Thr. To our knowledge, this variant has not been reported in the literature or in a large population database, indicating this variant is rare. At this time, the clinical significance of this variant is uncertain due to the absence of conclusive functional and genetic evidence.